The following is an entry in ClinVar:

ClinVar aggregate classification (germline): Benign. Review status: criteria provided, multiple submitters, no conflicts (2 of 4 stars). 4 submissions from 4 submitters: Benign (4). Last evaluated 2024-11-26.

Conditions:
Autosomal recessive proximal renal tubular acidosis (PRTAO). Also called: RTA, PROXIMAL, AUTOSOMAL RECESSIVE; RENAL TUBULAR ACIDOSIS, PROXIMAL, WITH OCULAR ABNORMALITIES AND MENTAL RETARDATION; PROXIMAL RENAL TUBULAR ACIDOSIS-OCULAR ANOMALY SYNDROME; RENAL TUBULAR ACIDOSIS, PROXIMAL, WITH OCULAR ABNORMALITIES AND IMPAIRED INTELLECTUAL DEVELOPMENT. Identifiers: Orphanet 93607, MedGen C1970309, MONDO:0011422, OMIM 604278.

Allele frequency attached by ClinVar (database versions not stated): ESP Exome Variant Server 0.16829; 1000 Genomes Project 0.17173; 1000 Genomes Project 30x 0.17583; gnomAD 0.18093 and 0.18233; TOPMed 0.19516; gnomAD exomes 0.20160 and 0.20387; ExAC 0.26028.
gnomAD v4.1: 308,411 of 1,546,794 alleles (20%); highest among the groups gnomAD compares: Admixed American, 35%; 33,164 homozygotes.

Submissions (4):

Blueprint Genetics
Classification: Benign. Last evaluated: 2024-11-26. Review status: criteria provided, single submitter. Criteria: ACMG Guidelines, 2015. Collection method: clinical testing. Allele origin: germline.

GeneDx
Classification: Benign. Last evaluated: 2021-05-16. Review status: criteria provided, single submitter. Criteria: GeneDx Variant Classification Process June 2021. Collection method: clinical testing. Allele origin: germline. Affected: yes.

Illumina Laboratory Services, Illumina
Classification: Benign for Autosomal recessive proximal renal tubular acidosis. Last evaluated: 2018-01-12. Review status: criteria provided, single submitter. Criteria: ICSL Variant Classification Criteria 13 December 2019. Collection method: clinical testing. Allele origin: germline.
Comment: This variant was observed in the ICSL laboratory as part of a predisposition screen in an ostensibly healthy population. It had not been previously curated by ICSL or reported in the Human Gene Mutation Database (HGMD: prior to June 1st, 2018), and was therefore a candidate for classification through an automated scoring system. Utilizing variant allele frequency, disease prevalence and penetrance estimates, and inheritance mode, an automated score was calculated to assess if this variant is too frequent to cause the disease. Based on the score and internal cut-off values, a variant classified as benign is not then subjected to further curation. The score for this variant resulted in a classification of benign for this disease.

Breakthrough Genomics
Classification: Benign. Review status: criteria provided, single submitter. Criteria: ACMG Guidelines, 2015. Collection method: not provided. Allele origin: germline. Inheritance: Autosomal recessive inheritance. Affected: yes.

NM_001098484.3(SLC4A4):c.*77A>C

Gene: SLC4A4 (solute carrier family 4 member 4; plus strand). Cytogenetic location: 4q13.3.
Variant type: single nucleotide variant.
Coding change: c.*77A>C on transcript NM_001098484.3 (MANE Select); 77 bases downstream of the stop codon, A replaced by C.
Molecular consequence: 3 prime UTR variant. On other transcripts: missense variant (1).
Genome position (GRCh38, 1-based): chr4:71,567,828, A>C. VCF-style: chr4-71567828-A-C. GRCh37 (hg19) VCF-style: chr4-72433545-A-C.
Other names: c.3220A>C, p.Ile1074Leu (NM_001134742.2); c.*77A>C (NM_003759.4); short protein forms I1074L.
Identifiers: ClinVar variation 349561 (VCV000349561.10), dbSNP rs1062677, ClinGen allele CA2955354.